The following is an entry in ClinVar:

NM_001378778.1(MPDZ):c.608A>G (p.Gln203Arg)

Gene: MPDZ (multiple PDZ domain crumbs cell polarity complex component; minus strand). Cytogenetic location: 9p23.
Variant type: single nucleotide variant.
Coding change: c.608A>G on transcript NM_001378778.1 (MANE Select); coding-DNA position 608, A replaced by G.
Protein change: p.Gln203Arg; replaces glutamine 203 with arginine.
Molecular consequence: missense variant.
Genome position (GRCh38, 1-based): chr9:13,222,372, T>C on the plus strand (A>G on the coding strand, the complement: MPDZ is on the minus strand). VCF-style: chr9-13222372-T-C. GRCh37 (hg19) VCF-style: chr9-13222371-T-C.
Other names: c.608A>G, p.Gln203Arg (NM_001261406.2, NM_001261407.2, NM_001330637.2 and 14 more transcripts); c.608A>G (NM_003829.3); short protein forms Q203R.
Identifiers: ClinVar variation 1399795 (VCV001399795.6), dbSNP rs767504930, ClinGen allele CA4988062.

ClinVar aggregate classification (germline): Uncertain significance. Review status: criteria provided, multiple submitters, no conflicts (2 of 4 stars). 2 submissions from 2 submitters: Uncertain significance (2). Last evaluated 2025-01-08.

Conditions:
Inborn genetic diseases. Identifiers: MedGen C0950123, MeSH D030342.

Allele frequency attached by ClinVar (database versions not stated): gnomAD exomes below 0.00001 and 0.00001; ExAC 0.00001; TOPMed 0.00005; gnomAD 0.00009.
gnomAD v4.1: 17 of 1,612,822 alleles (0.0011%); highest among the groups gnomAD compares: African/African-American, 0.011%; no homozygotes.

Submissions (2):

Ambry Genetics
Classification: Uncertain significance for Inborn genetic diseases. Last evaluated: 2025-01-08. Review status: criteria provided, single submitter. Criteria: Ambry Variant Classification Scheme 2023. Collection method: clinical testing. Allele origin: germline.

Labcorp Genetics (formerly Invitae), Labcorp
Classification: Uncertain significance. Last evaluated: 2022-06-13. Review status: criteria provided, single submitter. Criteria: Invitae Variant Classification Sherloc (09022015). Collection method: clinical testing. Allele origin: germline.
Comment: This sequence change replaces glutamine, which is neutral and polar, with arginine, which is basic and polar, at codon 203 of the MPDZ protein (p.Gln203Arg). This variant is present in population databases (rs767504930, gnomAD 0.01%). This variant has not been reported in the literature in individuals affected with MPDZ-related conditions. Algorithms developed to predict the effect of missense changes on protein structure and function (SIFT, PolyPhen-2, Align-GVGD) all suggest that this variant is likely to be disruptive. In summary, the available evidence is currently insufficient to determine the role of this variant in disease. Therefore, it has been classified as a Variant of Uncertain Significance.